The following is an entry in ClinVar:

NM_198586.3(NHLRC1):c.642A>G (p.Gln214=)

Gene: NHLRC1 (NHL repeat containing E3 ubiquitin protein ligase 1; minus strand). Cytogenetic location: 6p22.3.
Variant type: single nucleotide variant.
Coding change: c.642A>G on transcript NM_198586.3 (MANE Select); coding-DNA position 642, A replaced by G.
Protein change: p.Gln214=; no amino-acid change (glutamine 214 retained).
Molecular consequence: synonymous variant.
Genome position (GRCh38, 1-based): chr6:18,121,965, T>C on the plus strand (A>G on the coding strand, the complement: NHLRC1 is on the minus strand). VCF-style: chr6-18121965-T-C. GRCh37 (hg19) VCF-style: chr6-18122196-T-C.
Identifiers: ClinVar variation 512757 (VCV000512757.9), dbSNP rs754756237, ClinGen allele CA3649965.

ClinVar aggregate classification (germline): Likely benign. Review status: criteria provided, multiple submitters, no conflicts (2 of 4 stars). 2 submissions from 2 submitters: Likely benign (2). Last evaluated 2023-12-16.

Conditions:
Lafora disease. Also called: Epilepsy progressive myoclonic 2; Progressive Myoclonus Epilepsy, Lafora Type. Identifiers: Orphanet 501, MedGen C0751783, MONDO:0009697.

Allele frequency attached by ClinVar (database versions not stated): gnomAD 0.00005; TOPMed 0.00005.

Submissions (2):

Labcorp Genetics (formerly Invitae), Labcorp
Classification: Likely benign for Lafora disease. Last evaluated: 2023-12-16. Review status: criteria provided, single submitter. Criteria: Invitae Variant Classification Sherloc (09022015). Collection method: clinical testing. Allele origin: germline.

GeneDx
Classification: Likely benign. Last evaluated: 2017-10-23. Review status: criteria provided, single submitter. Criteria: GeneDx Variant Classification (06012015). Collection method: clinical testing. Allele origin: germline. Affected: yes.
Comment: This variant is considered likely benign or benign based on one or more of the following criteria: it is a conservative change, it occurs at a poorly conserved position in the protein, it is predicted to be benign by multiple in silico algorithms, and/or has population frequency not consistent with disease.